The following is an entry in ClinVar:

NM_022367.4(SEMA4A):c.2155T>C (p.Cys719Arg)

Gene: SEMA4A (semaphorin 4A; plus strand). Cytogenetic location: 1q22.
Variant type: single nucleotide variant.
Coding change: c.2155T>C on transcript NM_022367.4 (MANE Select); coding-DNA position 2155, T replaced by C.
Protein change: p.Cys719Arg; replaces cysteine 719 with arginine.
Molecular consequence: missense variant.
Genome position (GRCh38, 1-based): chr1:156,176,866, T>C. VCF-style: chr1-156176866-T-C. GRCh37 (hg19) VCF-style: chr1-156146657-T-C.
Other names: c.2155T>C, p.Cys719Arg (NM_001193300.2, NM_001193301.2, NM_001370567.1); c.1759T>C, p.Cys587Arg (NM_001193302.2); c.1858T>C, p.Cys620Arg (NM_001370568.1); c.1648T>C, p.Cys550Arg (NM_001370569.1, NM_001370571.1); short protein forms C550R, C620R, C719R, C587R.
Identifiers: ClinVar variation 1902161 (VCV001902161.5), dbSNP rs1655395415, ClinGen allele CA342813751.

ClinVar aggregate classification (germline): Uncertain significance (1 of 4 stars; one submission).

Allele frequency attached by ClinVar (database versions not stated): TOPMed below 0.00001.

Submission:

Labcorp Genetics (formerly Invitae), Labcorp
Classification: Uncertain significance. Last evaluated: 2022-07-24. Review status: criteria provided, single submitter. Criteria: Invitae Variant Classification Sherloc (09022015). Collection method: clinical testing. Allele origin: germline.
Comment: In summary, the available evidence is currently insufficient to determine the role of this variant in disease. Therefore, it has been classified as a Variant of Uncertain Significance. Algorithms developed to predict the effect of missense changes on protein structure and function are either unavailable or do not agree on the potential impact of this missense change (SIFT: "Deleterious"; PolyPhen-2: "Probably Damaging"; Align-GVGD: "Class C0"). This variant has not been reported in the literature in individuals affected with SEMA4A-related conditions. This variant is not present in population databases (gnomAD no frequency). This sequence change replaces cysteine, which is neutral and slightly polar, with arginine, which is basic and polar, at codon 719 of the SEMA4A protein (p.Cys719Arg).